The following is an entry in ClinVar:

NM_145200.5(CABP4):c.371G>A (p.Arg124His)

Gene: CABP4 (calcium binding protein 4; plus strand). Cytogenetic location: 11q13.2.
Variant type: single nucleotide variant.
Coding change: c.371G>A on transcript NM_145200.5 (MANE Select); coding-DNA position 371, G replaced by A.
Protein change: p.Arg124His; replaces arginine 124 with histidine.
Molecular consequence: missense variant.
Genome position (GRCh38, 1-based): chr11:67,456,192, G>A. VCF-style: chr11-67456192-G-A. GRCh37 (hg19) VCF-style: chr11-67223663-G-A.
Other names: c.56G>A, p.Arg19His (NM_001300895.3, NM_001300896.3, NM_001379183.1); short protein forms R19H, R124H.
Identifiers: ClinVar variation 1477513 (VCV001477513.9), dbSNP rs201046715, ClinGen allele CA6140184.

ClinVar aggregate classification (germline): Conflicting classifications of pathogenicity. Review status: criteria provided, conflicting classifications (1 of 4 stars). 2 submissions from 2 submitters: Likely pathogenic (1); Uncertain significance (1). Last evaluated 2024-04-09.

Allele frequency attached by ClinVar (database versions not stated): ExAC 0.00004; 1000 Genomes Project 0.00020; 1000 Genomes Project 30x 0.00031.

Submissions (2):

Labcorp Genetics (formerly Invitae), Labcorp
Classification: Likely pathogenic. Last evaluated: 2024-04-09. Review status: criteria provided, single submitter. Criteria: Invitae Variant Classification Sherloc (09022015). Collection method: clinical testing. Allele origin: germline.
Comment: This sequence change replaces arginine, which is basic and polar, with histidine, which is basic and polar, at codon 124 of the CABP4 protein (p.Arg124His). This variant is present in population databases (rs201046715, gnomAD 0.03%). This variant has not been reported in the literature in individuals affected with CABP4-related conditions. ClinVar contains an entry for this variant (Variation ID: 1477513). Advanced modeling of protein sequence and biophysical properties (such as structural, functional, and spatial information, amino acid conservation, physicochemical variation, residue mobility, and thermodynamic stability) performed at Invitae indicates that this missense variant is expected to disrupt CABP4 protein function with a positive predictive value of 80%. This variant disrupts the p.Arg124 amino acid residue in CABP4. Other variant(s) that disrupt this residue have been determined to be pathogenic (PMID: 16960802; Invitae). This suggests that this residue is clinically significant, and that variants that disrupt this residue are likely to be disease-causing. In summary, the currently available evidence indicates that the variant is pathogenic, but additional data are needed to prove that conclusively. Therefore, this variant has been classified as Likely Pathogenic.

Blueprint Genetics
Classification: Uncertain significance. Last evaluated: 2019-10-11. Review status: criteria provided, single submitter. Criteria: ACMG Guidelines, 2015. Collection method: clinical testing. Allele origin: germline.

Literature cited by the submitters: PubMed 16960802 (cited by Labcorp Genetics (formerly Invitae), Labcorp).